The following is an entry in ClinVar:

NM_021224.6(ZNF462):c.6554A>C (p.Gln2185Pro)

Gene: ZNF462 (zinc finger protein 462; plus strand). Cytogenetic location: 9q31.2.
Variant type: single nucleotide variant.
Coding change: c.6554A>C on transcript NM_021224.6 (MANE Select); coding-DNA position 6554, A replaced by C.
Protein change: p.Gln2185Pro; replaces glutamine 2185 with proline.
Molecular consequence: missense variant.
Genome position (GRCh38, 1-based): chr9:106,972,131, A>C. VCF-style: chr9-106972131-A-C. GRCh37 (hg19) VCF-style: chr9-109734412-A-C.
Other names: c.3959A>C, p.Gln1320Pro (NM_001347997.2); short protein forms Q1320P, Q2185P.
Identifiers: ClinVar variation 2497905 (VCV002497905.1), dbSNP rs1826652472, ClinGen allele CA374659617.

ClinVar aggregate classification (germline): Uncertain significance (1 of 4 stars; one submission).

Allele frequency attached by ClinVar (database versions not stated): TOPMed below 0.00001.

Submission:

GeneDx
Classification: Uncertain significance. Last evaluated: 2022-10-08. Review status: criteria provided, single submitter. Criteria: GeneDx Variant Classification Process June 2021. Collection method: clinical testing. Allele origin: germline. Affected: yes.
Comment: Not observed at significant frequency in large population cohorts (gnomAD); In silico analysis supports that this missense variant does not alter protein structure/function; Has not been previously published as pathogenic or benign to our knowledge